The following is an entry in ClinVar:

NM_001042750.2(STAG2):c.3678G>A (p.Met1226Ile)

Gene: STAG2 (STAG2 cohesin complex component; plus strand). Cytogenetic location: Xq25.
Variant type: single nucleotide variant.
Coding change: c.3678G>A on transcript NM_001042750.2 (MANE Select); coding-DNA position 3678, G replaced by A.
Protein change: p.Met1226Ile; replaces methionine 1226 with isoleucine.
Molecular consequence: missense variant.
Genome position (GRCh38, 1-based): chrX:124,094,117, G>A. VCF-style: chrX-124094117-G-A. GRCh37 (hg19) VCF-style: chrX-123227967-G-A.
Other names: c.3678G>A, p.Met1226Ile (NM_001042749.2, NM_001375366.1, NM_001375367.1 and 5 more transcripts); c.3567G>A, p.Met1189Ile (NM_001042751.2, NM_001282418.2, NM_001375373.1 and 5 more transcripts); short protein forms M1226I, M1189I.
Identifiers: ClinVar variation 3662340 (VCV003662340.2).
Genomic context (GRCh38, chrX:124,094,117, plus strand): 5'-AATTGTGGAAGATGTTATGATGTCCTCAGAAGGGAGGATTGAGGATCTTAATGAGGGAAT[G>A]GATTTTGACACCATGGATATAGATTTGGTAAGAAACTTAATGATTTCTGTAAGATTTTCA-3'
Protein context (NP_001036215.1, residues 1216-1236): EGRIEDLNEG[Met1226Ile]DFDTMDIDLP

ClinVar aggregate classification (germline): Uncertain significance (1 of 4 stars; one submission).

Submission:

Labcorp Genetics (formerly Invitae), Labcorp
Classification: Uncertain significance. Last evaluated: 2024-08-14. Review status: criteria provided, single submitter. Criteria: Invitae Variant Classification Sherloc (09022015). Collection method: clinical testing. Allele origin: germline.
Comment: This sequence change replaces methionine, which is neutral and non-polar, with isoleucine, which is neutral and non-polar, at codon 1226 of the STAG2 protein (p.Met1226Ile). This variant is not present in population databases (gnomAD no frequency). This variant has not been reported in the literature in individuals affected with STAG2-related conditions. An algorithm developed to predict the effect of missense changes on protein structure and function (PolyPhen-2) suggests that this variant is likely to be tolerated. In summary, the available evidence is currently insufficient to determine the role of this variant in disease. Therefore, it has been classified as a Variant of Uncertain Significance.